The following is an entry in ClinVar:

NM_013336.4(SEC61A1):c.1168-6C>G

Genes: RUVBL1 (RuvB like AAA ATPase 1; minus strand), SEC61A1 (SEC61 translocon subunit alpha 1; plus strand). Cytogenetic location: 3q21.3.
Variant type: single nucleotide variant.
Coding change: c.1168-6C>G on transcript NM_013336.4 (MANE Select); 6 bases into the intron before coding-DNA position 1168, C replaced by G.
Molecular consequence: intron variant.
Genome position (GRCh38, 1-based): chr3:128,067,977, C>G. VCF-style: chr3-128067977-C-G. GRCh37 (hg19) VCF-style: chr3-127786820-C-G.
Other names: c.1186-6C>G (NM_001400328.1); c.1009-6C>G (NM_001400329.1); c.940-2757G>C (NM_001319086.1).
Identifiers: ClinVar variation 1909988 (VCV001909988.5), dbSNP rs544872426, ClinGen allele CA2598594.
Genomic context (GRCh38, chr3:128,067,977, plus strand): 5'-CCACTTGGAATGCCTATTTCCCCTTCAGCCTCCAATTCCAACTTCTCCCCTGTGGGCACC[C>G]TGCAGGTTGCAAAGCAGCTGAAGGAGCAGCAGATGGTGATGAGAGGCCACCGAGAGACCT-3'

ClinVar aggregate classification (germline): Uncertain significance. Review status: criteria provided, multiple submitters, no conflicts (2 of 4 stars). 2 submissions from 2 submitters: Uncertain significance (2). Last evaluated 2025-01-28.

Conditions:
SEC61A1-related disorder. Also called: SEC61A1-related condition.

Allele frequency attached by ClinVar (database versions not stated): TOPMed 0.00002; ExAC 0.00002; gnomAD 0.00004; gnomAD exomes 0.00002.
gnomAD v4.1: 39 of 1,613,616 alleles (0.0024%); highest among the groups gnomAD compares: Non-Finnish European, 0.0032%; no homozygotes.

Submissions (2):

PreventionGenetics, part of Exact Sciences
Classification: Uncertain significance for SEC61A1-related condition. Last evaluated: 2025-01-28. Review status: criteria provided, single submitter. Criteria: ACMG Guidelines, 2015. Collection method: clinical testing. Allele origin: germline.
Comment: The SEC61A1 c.1168-6C>G variant is predicted to interfere with splicing. This variant is predicted to alter splicing based on available splicing prediction programs (SpliceAI, Jaganathan et al. 2019. PubMed ID: 30661751). However, the use of computer prediction programs is not equivalent to functional evidence. To our knowledge, this variant has not been reported in the literature. This variant is reported in 0.0018% of alleles in individuals of European (Non-Finnish) descent in gnomAD. Loss of function is not an established mechanism of SEC61A1-related disease. At this time, the clinical significance of this variant is uncertain due to the absence of conclusive functional and genetic evidence.

Labcorp Genetics (formerly Invitae), Labcorp
Classification: Uncertain significance. Last evaluated: 2022-02-27. Review status: criteria provided, single submitter. Criteria: Invitae Variant Classification Sherloc (09022015). Collection method: clinical testing. Allele origin: germline.
Comment: This variant has not been reported in the literature in individuals affected with SEC61A1-related conditions. This variant is present in population databases (rs544872426, gnomAD 0.003%). This sequence change falls in intron 10 of the SEC61A1 gene. It does not directly change the encoded amino acid sequence of the SEC61A1 protein. In summary, the available evidence is currently insufficient to determine the role of this variant in disease. Therefore, it has been classified as a Variant of Uncertain Significance. Algorithms developed to predict the effect of sequence changes on RNA splicing suggest that this variant may create or strengthen a splice site.